The following is an entry in ClinVar:

ClinVar aggregate classification (germline): Likely pathogenic (1 of 4 stars; one submission).

Submission:

CeGaT Center for Human Genetics Tuebingen
Classification: Likely pathogenic. Last evaluated: 2025-07-01. Review status: criteria provided, single submitter. Criteria: CeGaT Center For Human Genetics Tuebingen Variant Classification Criteria Version 2. Collection method: clinical testing. Allele origin: germline. Affected: yes. Observed: 1 variant allele.
Comment: PHKA2: PVS1:Strong, PM2

NM_000292.3(PHKA2):c.3496C>T (p.Gln1166Ter)

Genes: PHKA2 (phosphorylase kinase regulatory subunit alpha 2; minus strand), PHKA2-AS1 (PHKA2 antisense RNA 1; plus strand). Cytogenetic location: Xp22.13.
Variant type: single nucleotide variant.
Coding change: c.3496C>T on transcript NM_000292.3 (MANE Select); coding-DNA position 3496, C replaced by T.
Protein change: p.Gln1166Ter; replaces glutamine 1166 with a stop codon.
Molecular consequence: nonsense. On other transcripts: non-coding transcript variant (1).
Genome position (GRCh38, 1-based): chrX:18,894,245, G>A on the plus strand (C>T on the coding strand, the complement: PHKA2 is on the minus strand). VCF-style: chrX-18894245-G-A. GRCh37 (hg19) VCF-style: chrX-18912363-G-A.
Other names: c.3442C>T, p.Gln1148Ter (NM_001440800.1); c.3412C>T, p.Gln1138Ter (NM_001440801.1); c.3397C>T, p.Gln1133Ter (NM_001440802.1); c.3343C>T, p.Gln1115Ter (NM_001440803.1); c.3313C>T, p.Gln1105Ter (NM_001440804.1); c.3520C>T, p.Gln1174Ter (NM_001440805.1); short protein forms Q1105*, Q1115*, Q1133*, Q1138*, Q1148*, Q1166*, Q1174*.
Identifiers: ClinVar variation 4085427 (VCV004085427.8).